The following is an entry in ClinVar:

ClinVar aggregate classification (germline): Likely pathogenic (1 of 4 stars; one submission).

Submission:

Ambry Genetics
Classification: Likely pathogenic. Last evaluated: 2025-11-21. Review status: criteria provided, single submitter. Criteria: Ambry Variant Classification Scheme 2023. Collection method: clinical testing. Allele origin: germline.
Comment: The c.2442G>A (p.P814P) alteration is located in exon 20 (coding exon 19) of the UBAP2L gene. This alteration consists of a G to A substitution at nucleotide position 2442. This nucleotide substitution does not change the amino acid at codon 814. However, this change occurs in the last base pair of exon 20 (coding exon19), which makes it likely to have some effect on normal mRNA splicing. This variant was not reported in population-based cohorts in the Genome Aggregation Database (gnomAD). This nucleotide position is not well conserved in available vertebrate species. In silico splice site analysis predicts that this alteration will weaken the native splice donor site and may result in the creation or strengthening of a novel splice donor site and may result in the creation or strengthening of a novel splice acceptor site. Based on the available evidence, this alteration is classified as likely pathogenic.

NM_014847.4(UBAP2L):c.2442G>A (p.Pro814=)

Gene: UBAP2L (ubiquitin associated protein 2 like; plus strand). Cytogenetic location: 1q21.3.
Variant type: single nucleotide variant.
Coding change: c.2442G>A on transcript NM_014847.4 (MANE Select); coding-DNA position 2442, G replaced by A.
Protein change: p.Pro814=; no amino-acid change (proline 814 retained).
Molecular consequence: synonymous variant.
Genome position (GRCh38, 1-based): chr1:154,257,434, G>A. VCF-style: chr1-154257434-G-A. GRCh37 (hg19) VCF-style: chr1-154229910-G-A.
Other names: c.2442G>A, p.Pro814= (NM_001127320.3, NM_001375614.1, NM_001375615.1 and 14 more transcripts); c.2421G>A, p.Pro807= (NM_001287815.1); c.2475G>A, p.Pro825= (NM_001287816.1, NM_001330730.1, NM_001375612.1 and 2 more transcripts).
Identifiers: ClinVar variation 4601188 (VCV004601188.1).